The following is an entry in ClinVar:

NM_001010874.5(TECRL):c.436-2A>G

Gene: TECRL (trans-2,3-enoyl-CoA reductase like; minus strand). Cytogenetic location: 4q13.1.
Variant type: single nucleotide variant.
Coding change: c.436-2A>G on transcript NM_001010874.5 (MANE Select); the canonical splice acceptor site of the intron before coding-DNA position 436, A replaced by G.
Molecular consequence: splice acceptor variant.
Genome position (GRCh38, 1-based): chr4:64,314,765, T>C on the plus strand (A>G on the coding strand, the complement: TECRL is on the minus strand). VCF-style: chr4-64314765-T-C. GRCh37 (hg19) VCF-style: chr4-65180483-T-C.
Other names: c.436-2A>G (NM_001363796.1).
Identifiers: ClinVar variation 3232342 (VCV003232342.1), dbSNP rs2476098889, ClinGen allele CA357057298.

ClinVar aggregate classification (germline): Likely pathogenic (1 of 4 stars; one submission).

Conditions:
Cardiovascular phenotype. Identifiers: MedGen CN230736.

Submission:

Ambry Genetics
Classification: Likely pathogenic for Cardiovascular phenotype. Last evaluated: 2023-11-22. Review status: criteria provided, single submitter. Criteria: Ambry Variant Classification Scheme 2023. Collection method: clinical testing. Allele origin: germline.
Comment: The c.436-2A>G intronic variant results from an A to G substitution two nucleotides before coding exon 5 in the TECRL gene. This variant is considered to be rare based on population cohorts in the Genome Aggregation Database (gnomAD). This nucleotide position is highly conserved in available vertebrate species. In silico splice site analysis predicts that this alteration will weaken the native splice acceptor site. Alterations that disrupt the canonical splice site are expected to cause aberrant splicing, resulting in an abnormal protein or a transcript that is subject to nonsense-mediated mRNA decay. As such, this alteration is classified as likely pathogenic.